The following is an entry in ClinVar:

NM_015047.3(EMC1):c.1024G>C (p.Val342Leu)

Genes: EMC1 (ER membrane protein complex subunit 1; minus strand), EMC1-AS1 (EMC1 antisense RNA 1; plus strand). Cytogenetic location: 1p36.13.
Variant type: single nucleotide variant.
Coding change: c.1024G>C on transcript NM_015047.3 (MANE Select); coding-DNA position 1024, G replaced by C.
Protein change: p.Val342Leu; replaces valine 342 with leucine.
Molecular consequence: missense variant.
Genome position (GRCh38, 1-based): chr1:19,239,233, C>G on the plus strand (G>C on the coding strand, the complement: EMC1 is on the minus strand). VCF-style: chr1-19239233-C-G. GRCh37 (hg19) VCF-style: chr1-19565727-C-G.
Other names: c.1024G>C, p.Val342Leu (NM_001271427.2, NM_001271428.2, NM_001375820.1 and 1 more transcripts); c.958G>C, p.Val320Leu (NM_001271429.2); short protein forms V320L, V342L.
Identifiers: ClinVar variation 4975645 (VCV004975645.1).

ClinVar aggregate classification (germline): Uncertain significance (1 of 4 stars; one submission).

Submission:

GeneDx
Classification: Uncertain significance. Last evaluated: 2026-01-25. Review status: criteria provided, single submitter. Criteria: GeneDx Variant Classification Process June 2021. Collection method: clinical testing. Allele origin: germline.
Comment: Not observed at significant frequency in large population cohorts (gnomAD); In silico analysis suggests that this missense variant does not alter protein structure/function; Has not been previously published as pathogenic or benign to our knowledge